The following is an entry in ClinVar:

ClinVar aggregate classification (germline): Uncertain significance. Review status: criteria provided, multiple submitters, no conflicts (2 of 4 stars). 7 submissions from 7 submitters: Uncertain significance (6). 1 of the submissions does not count toward it. Last evaluated 2024-10-16.

Conditions:
Arthrogryposis multiplex congenita 6. Identifiers: MedGen C5543431, MONDO:0030281, OMIM 619334.
Nemaline myopathy 2 (NEM2). Also called: Nemaline myopathy 2, autosomal recessive. Identifiers: MedGen C1850569, MONDO:0009725, OMIM 256030.

Allele frequency attached by ClinVar (database versions not stated): gnomAD 0.00009 and 0.00010; 1000 Genomes Project 0.00020; gnomAD exomes 0.00021; ExAC 0.00022; 1000 Genomes Project 30x 0.00031.
gnomAD v4.1: 308 of 1,362,668 alleles (0.023%); highest among the groups gnomAD compares: Non-Finnish European, 0.028%; no homozygotes.

Submissions (7):

Labcorp Genetics (formerly Invitae), Labcorp
Classification: Uncertain significance for Nemaline myopathy 2. Last evaluated: 2024-10-16. Review status: criteria provided, single submitter. Criteria: Invitae Variant Classification Sherloc (09022015). Collection method: clinical testing. Allele origin: germline.
Comment: This sequence change replaces arginine, which is basic and polar, with cysteine, which is neutral and slightly polar, at codon 3693 of the NEB protein (p.Arg3693Cys). This variant is present in population databases (rs539139958, gnomAD 0.03%). This variant has not been reported in the literature in individuals affected with NEB-related conditions. ClinVar contains an entry for this variant (Variation ID: 465434). Experimental studies and prediction algorithms are not available or were not evaluated, and the functional significance of this variant is currently unknown. In summary, the available evidence is currently insufficient to determine the role of this variant in disease. Therefore, it has been classified as a Variant of Uncertain Significance.

Blueprint Genetics
Classification: Uncertain significance. Last evaluated: 2022-10-12. Review status: criteria provided, single submitter. Criteria: ACMG Guidelines, 2015. Collection method: clinical testing. Allele origin: germline.

Revvity Omics, Revvity
Classification: Uncertain significance. Last evaluated: 2022-02-23. Review status: criteria provided, single submitter. Criteria: ACMG Guidelines, 2015. Collection method: clinical testing. Allele origin: germline.

Fulgent Genetics
Classification: Uncertain significance for Nemaline myopathy 2; Arthrogryposis multiplex congenita 6. Last evaluated: 2022-02-11. Review status: criteria provided, single submitter. Criteria: ACMG Guidelines, 2015. Collection method: clinical testing. Allele origin: unknown.

Mayo Clinic Laboratories, Mayo Clinic
Classification: Uncertain significance. Last evaluated: 2021-09-13. Review status: criteria provided, single submitter. Criteria: ACMG Guidelines, 2015. Collection method: clinical testing. Allele origin: germline.

GeneDx
Classification: Uncertain significance. Last evaluated: 2020-01-14. Review status: criteria provided, single submitter. Criteria: GeneDx Variant Classification Process June 2021. Collection method: clinical testing. Allele origin: germline. Affected: yes.
Comment: In silico analysis, which includes protein predictors and evolutionary conservation, supports a deleterious effect; Has not been previously published as pathogenic or benign to our knowledge

Natera, Inc.
Classification: Uncertain significance for Nemaline myopathy type 2. Last evaluated: 2019-11-11. Review status: no assertion criteria provided. Collection method: clinical testing. Allele origin: germline. Not counted in ClinVar's aggregate classification.

NM_001164508.2(NEB):c.11077C>T (p.Arg3693Cys)

Gene: NEB (nebulin; minus strand). Cytogenetic location: 2q23.3.
Variant type: single nucleotide variant.
Coding change: c.11077C>T on transcript NM_001164508.2 (MANE Select); coding-DNA position 11077, C replaced by T.
Protein change: p.Arg3693Cys; replaces arginine 3693 with cysteine.
Molecular consequence: missense variant.
Genome position (GRCh38, 1-based): chr2:151,617,468, G>A on the plus strand (C>T on the coding strand, the complement: NEB is on the minus strand). VCF-style: chr2-151617468-G-A. GRCh37 (hg19) VCF-style: chr2-152473982-G-A.
Other names: p.Arg3450Cys; c.11077C>T, p.Arg3693Cys (NM_001164507.2, NM_001271208.2); c.10348C>T, p.Arg3450Cys (NM_004543.5); c.10348C>T (NM_004543.4); short protein forms R3693C, R3450C.
Identifiers: ClinVar variation 465434 (VCV000465434.22), dbSNP rs539139958, ClinGen allele CA1908843.